The following is an entry in ClinVar:

ClinVar aggregate classification (germline): Likely pathogenic (1 of 4 stars; one submission).

Conditions:
Bethlem myopathy 1A. Also called: Bethlem myopathy 1; MYOPATHY, BENIGN CONGENITAL, WITH CONTRACTURES; Bethlem Muscular Dystrophy. Identifiers: Orphanet 610, MedGen CN029274, MONDO:0024530, OMIM 158810.

Allele frequency attached by ClinVar (database versions not stated): TOPMed below 0.00001; gnomAD 0.00001.
gnomAD v4.1: 3 of 1,613,450 alleles (0.00019%); highest among the groups gnomAD compares: South Asian, 0.0011%; no homozygotes.

Submission:

Labcorp Genetics (formerly Invitae), Labcorp
Classification: Likely pathogenic for Bethlem myopathy 1. Last evaluated: 2018-02-27. Review status: criteria provided, single submitter. Criteria: Invitae Variant Classification Sherloc (09022015). Collection method: clinical testing. Allele origin: germline.
Comment: This sequence change affects a donor splice site in intron 5 of the COL6A3 gene. It is expected to disrupt RNA splicing and likely results in an absent or disrupted protein product. This variant is not present in population databases (ExAC no frequency). This variant has not been reported in the literature in individuals with COL6A3-related disease. Algorithms developed to predict the effect of sequence changes on RNA splicing suggest that this variant may disrupt the consensus splice site, but this prediction has not been confirmed by published transcriptional studies. Donor and acceptor splice site variants typically lead to a loss of protein function (PMID: 16199547), and loss-of-function variants in COL6A3 are known to cause autosomal recessive COL6A3-related disorders (PMID: 20976770). However, splice site variants in COL6A3 have also been reported to cause autosomal dominant COL6A3-related disorders (PMID: 20976770, 15563506, 18366090). In summary, the currently available evidence indicates that the variant is pathogenic, but additional data are needed to prove that conclusively. Therefore, this variant has been classified as Likely Pathogenic.

Literature cited by the submitters: PubMed 20976770; PubMed 15563506; PubMed 18366090.

NM_004369.4(COL6A3):c.1897+1G>T

Gene: COL6A3 (collagen type VI alpha 3 chain; minus strand). Cytogenetic location: 2q37.3.
Variant type: single nucleotide variant.
Coding change: c.1897+1G>T on transcript NM_004369.4 (MANE Select); the canonical splice donor site of the intron after coding-DNA position 1897, G replaced by T.
Molecular consequence: splice donor variant.
Genome position (GRCh38, 1-based): chr2:237,380,914, C>A on the plus strand (G>T on the coding strand, the complement: COL6A3 is on the minus strand). VCF-style: chr2-237380914-C-A. GRCh37 (hg19) VCF-style: chr2-238289557-C-A.
Other names: c.676+1G>T (NM_057166.5, NM_057164.5); c.1279+1G>T (NM_057167.4, NM_057165.5).
Identifiers: ClinVar variation 565805 (VCV000565805.3), dbSNP rs1230578718, ClinGen allele CA351215360.